The following is an entry in ClinVar:

NM_001129.5(AEBP1):c.314T>C (p.Val105Ala)

Gene: AEBP1 (AE binding protein 1; plus strand). Cytogenetic location: 7p13.
Variant type: single nucleotide variant.
Coding change: c.314T>C on transcript NM_001129.5 (MANE Select); coding-DNA position 314, T replaced by C.
Protein change: p.Val105Ala; replaces valine 105 with alanine.
Molecular consequence: missense variant.
Genome position (GRCh38, 1-based): chr7:44,106,606, T>C. VCF-style: chr7-44106606-T-C. GRCh37 (hg19) VCF-style: chr7-44146205-T-C.
Other names: p.Val105Ala; short protein forms V105A.
Identifiers: ClinVar variation 3379754 (VCV003379754.1).

ClinVar aggregate classification (germline): Uncertain significance (1 of 4 stars; one submission).

gnomAD v4.1: 1 of 1,611,090 alleles (0.000062%); no homozygotes.

Submission:

Mayo Clinic Laboratories, Mayo Clinic
Classification: Uncertain significance. Last evaluated: 2023-12-19. Review status: criteria provided, single submitter. Criteria: ACMG Guidelines, 2015. Collection method: clinical testing. Allele origin: germline. Observed: 1 variant allele.
Comment: BP4_strong, PM2